The following is an entry in ClinVar:

ClinVar aggregate classification (germline): Uncertain significance (1 of 4 stars; one submission).

Conditions:
Epileptic encephalopathy. Identifiers: MedGen C0543888, HP:0200134.

Submission:

Labcorp Genetics (formerly Invitae), Labcorp
Classification: Uncertain significance for Epileptic encephalopathy. Last evaluated: 2022-08-16. Review status: criteria provided, single submitter. Criteria: Invitae Variant Classification Sherloc (09022015). Collection method: clinical testing. Allele origin: germline.
Comment: ClinVar contains an entry for this variant (Variation ID: 656187). Algorithms developed to predict the effect of missense changes on protein structure and function are either unavailable or do not agree on the potential impact of this missense change (SIFT: "Deleterious"; PolyPhen-2: "Probably Damaging"; Align-GVGD: "Class C0"). In summary, the available evidence is currently insufficient to determine the role of this variant in disease. Therefore, it has been classified as a Variant of Uncertain Significance. This sequence change replaces leucine, which is neutral and non-polar, with proline, which is neutral and non-polar, at codon 1039 of the FASN protein (p.Leu1039Pro). This variant is not present in population databases (gnomAD no frequency). This variant has not been reported in the literature in individuals affected with FASN-related conditions.

NM_004104.5(FASN):c.3116T>C (p.Leu1039Pro)

Gene: FASN (fatty acid synthase; minus strand). Cytogenetic location: 17q25.3.
Variant type: single nucleotide variant.
Coding change: c.3116T>C on transcript NM_004104.5 (MANE Select); coding-DNA position 3116, T replaced by C.
Protein change: p.Leu1039Pro; replaces leucine 1039 with proline.
Molecular consequence: missense variant.
Genome position (GRCh38, 1-based): chr17:82,087,432, A>G on the plus strand (T>C on the coding strand, the complement: FASN is on the minus strand). VCF-style: chr17-82087432-A-G. GRCh37 (hg19) VCF-style: chr17-80045308-A-G.
Other names: short protein forms L1039P.
Identifiers: ClinVar variation 656187 (VCV000656187.10), dbSNP rs1598578684, ClinGen allele CA401554690.
Genomic context (GRCh38, chr17:82,087,432, plus strand): 5'-GGGTCGATGTGGATGGCGGTGACACGGGTGGGCAGGTACAGGCCGTGCTTGGCCGAGCCC[A>G]GGATGGACATCTGCAGCATGGTGTCCATGAAGCTCACCCAGTTATCCTTCCACAGCAGCC-3'
Protein context (NP_004095.4, residues 1029-1049): FMDTMLQMSI[Leu1039Pro]GSAKHGLYLP